The following is an entry in ClinVar:

NM_001142800.2(EYS):c.342T>A (p.Cys114Ter)

Gene: EYS (EGF-like photoreceptor maintenance factor; minus strand). Cytogenetic location: 6q12.
Variant type: single nucleotide variant.
Coding change: c.342T>A on transcript NM_001142800.2 (MANE Select); coding-DNA position 342, T replaced by A.
Protein change: p.Cys114Ter; replaces cysteine 114 with a stop codon.
Molecular consequence: nonsense.
Genome position (GRCh38, 1-based): chr6:65,495,069, A>T on the plus strand (T>A on the coding strand, the complement: EYS is on the minus strand). VCF-style: chr6-65495069-A-T. GRCh37 (hg19) VCF-style: chr6-66204962-A-T.
Other names: c.342T>A, p.Cys114Ter (NM_001142801.2, NM_001292009.2, NM_198283.2); short protein forms C114*.
Identifiers: ClinVar variation 1454767 (VCV001454767.7), dbSNP rs1418930514, ClinGen allele CA364790125.
Genomic context (GRCh38, chr6:65,495,069, plus strand): 5'-GTGCATTCCTTTTAGTCTGCAGCCAAAAAGTAACTGATCTTCCGTTGTGGTATTTTGCAC[A>T]CAGCCAACGAAAGATGTTTCAGAAACATTCATCAAATTTATTTCTGGAAATTGAAGAGAT-3'

ClinVar aggregate classification (germline): Pathogenic/Likely pathogenic. Review status: criteria provided, multiple submitters, no conflicts (2 of 4 stars). 2 submissions from 2 submitters: Pathogenic (1); Likely pathogenic (1). Last evaluated 2023-01-04.

Conditions:
Retinitis pigmentosa 25 (RP25). Identifiers: Orphanet 791, MedGen C1864446, MONDO:0011272, OMIM 602772.

Submissions (2):

Baylor Genetics
Classification: Likely pathogenic for Retinitis pigmentosa 25. Last evaluated: 2023-01-04. Review status: criteria provided, single submitter. Criteria: ACMG Guidelines, 2015. Collection method: clinical testing. Allele origin: unknown.

Labcorp Genetics (formerly Invitae), Labcorp
Classification: Pathogenic. Last evaluated: 2020-11-17. Review status: criteria provided, single submitter. Criteria: Invitae Variant Classification Sherloc (09022015). Collection method: clinical testing. Allele origin: germline.
Comment: For these reasons, this variant has been classified as Pathogenic. This variant has not been reported in the literature in individuals with EYS-related conditions. This variant is not present in population databases (ExAC no frequency). This sequence change creates a premature translational stop signal (p.Cys114*) in the EYS gene. It is expected to result in an absent or disrupted protein product. Loss-of-function variants in EYS are known to be pathogenic (PMID: 18836446, 20333770).

Literature cited by the submitters: PubMed 18836446 (cited by Labcorp Genetics (formerly Invitae), Labcorp); PubMed 20333770 (cited by Labcorp Genetics (formerly Invitae), Labcorp).